The following is an entry in ClinVar:

NM_000548.5(TSC2):c.1330A>C (p.Asn444His)

Gene: TSC2 (TSC complex subunit 2; plus strand). Cytogenetic location: 16p13.3.
Variant type: single nucleotide variant.
Coding change: c.1330A>C on transcript NM_000548.5 (MANE Select); coding-DNA position 1330, A replaced by C.
Protein change: p.Asn444His; replaces asparagine 444 with histidine.
Molecular consequence: missense variant.
Genome position (GRCh38, 1-based): chr16:2,062,569, A>C. VCF-style: chr16-2062569-A-C. GRCh37 (hg19) VCF-style: chr16-2112570-A-C.
Other names: c.1330A>C, p.Asn444His (NM_001077183.3, NM_001114382.3, NM_001363528.2 and 3 more transcripts); c.1219A>C, p.Asn407His (NM_001318827.2); c.1183A>C, p.Asn395His (NM_001318829.2); c.730A>C, p.Asn244His (NM_001318831.2); c.1363A>C, p.Asn455His (NM_001318832.2); c.1330A>C (NM_000548.3); short protein forms N407H, N455H, N244H, N395H, N444H.
Identifiers: ClinVar variation 1467683 (VCV001467683.7), dbSNP rs2151164750, ClinGen allele CA394322450.

ClinVar aggregate classification (germline): Uncertain significance. Review status: criteria provided, multiple submitters, no conflicts (2 of 4 stars). 2 submissions from 2 submitters: Uncertain significance (2). Last evaluated 2026-02-28.

Conditions:
Tuberous sclerosis 2 (TSC2). Identifiers: Orphanet 805, MedGen C1860707, MONDO:0013199, OMIM 613254.
Hereditary cancer-predisposing syndrome. Also called: Neoplastic Syndromes, Hereditary; Tumor predisposition; Hereditary Cancer Syndrome; Hereditary neoplastic syndrome. Identifiers: Orphanet 140162, MedGen C0027672, MeSH D009386, MONDO:0015356.

Submissions (2):

Ambry Genetics
Classification: Uncertain significance for Hereditary cancer-predisposing syndrome. Last evaluated: 2026-02-28. Review status: criteria provided, single submitter. Criteria: Ambry Variant Classification Scheme 2023. Collection method: clinical testing. Allele origin: germline.
Comment: The p.N444H variant (also known as c.1330A>C), located in coding exon 12 of the TSC2 gene, results from an A to C substitution at nucleotide position 1330. The asparagine at codon 444 is replaced by histidine, an amino acid with similar properties. This amino acid position is conserved. In addition, the in silico prediction for this alteration is inconclusive. Based on the available evidence, the clinical significance of this variant remains unclear.

Labcorp Genetics (formerly Invitae), Labcorp
Classification: Uncertain significance for Tuberous sclerosis 2. Last evaluated: 2021-08-28. Review status: criteria provided, single submitter. Criteria: Invitae Variant Classification Sherloc (09022015). Collection method: clinical testing. Allele origin: germline.
Comment: In summary, the available evidence is currently insufficient to determine the role of this variant in disease. Therefore, it has been classified as a Variant of Uncertain Significance. Advanced modeling of protein sequence and biophysical properties (such as structural, functional, and spatial information, amino acid conservation, physicochemical variation, residue mobility, and thermodynamic stability) performed at Invitae indicates that this missense variant is not expected to disrupt TSC2 protein function. This variant has not been reported in the literature in individuals affected with TSC2-related conditions. This variant is not present in population databases (ExAC no frequency). This sequence change replaces asparagine with histidine at codon 444 of the TSC2 protein (p.Asn444His). The asparagine residue is highly conserved and there is a small physicochemical difference between asparagine and histidine.